The following is an entry in ClinVar:

ClinVar aggregate classification (germline): Uncertain significance (1 of 4 stars; one submission).

Submission:

CeGaT Center for Human Genetics Tuebingen
Classification: Uncertain significance. Last evaluated: 2026-04-01. Review status: criteria provided, single submitter. Criteria: CeGaT Center For Human Genetics Tuebingen Variant Classification Criteria Version 2. Collection method: clinical testing. Allele origin: germline. Affected: yes. Observed: 1 variant allele.
Comment: MYO18B: PM2, PP3

NM_032608.7(MYO18B):c.5605G>A (p.Glu1869Lys)

Gene: MYO18B (myosin XVIIIB; plus strand). Cytogenetic location: 22q12.1.
Variant type: single nucleotide variant.
Coding change: c.5605G>A on transcript NM_032608.7 (MANE Select); coding-DNA position 5605, G replaced by A.
Protein change: p.Glu1869Lys; replaces glutamic acid 1869 with lysine.
Molecular consequence: missense variant.
Genome position (GRCh38, 1-based): chr22:25,946,224, G>A. VCF-style: chr22-25946224-G-A. GRCh37 (hg19) VCF-style: chr22-26342190-G-A.
Other names: c.5608G>A, p.Glu1870Lys (NM_001318245.2); short protein forms E1869K, E1870K.
Identifiers: ClinVar variation 4874635 (VCV004874635.2).